The following is an entry in ClinVar:

ClinVar aggregate classification (germline): Uncertain significance. Review status: criteria provided, multiple submitters, no conflicts (2 of 4 stars). 2 submissions from 2 submitters: Uncertain significance (2). Last evaluated 2025-01-31.

Conditions:
Fetal akinesia deformation sequence 1 (FADS1). Also called: Fetal akinesia sequence; Pena-Shokeir syndrome type I. Identifiers: Orphanet 994, MedGen C1276035, MONDO:0100101, OMIM 208150, HP:0001989.
Congenital myasthenic syndrome 10. Also called: Myasthenia, limb-girdle, familial. Identifiers: Orphanet 590, MedGen C1850792, MONDO:0009690, OMIM 254300.

Allele frequency attached by ClinVar (database versions not stated): ExAC 0.00005; gnomAD 0.00005; TOPMed 0.00005; gnomAD exomes 0.00006.
gnomAD v4.1: 88 of 1,612,462 alleles (0.0055%); highest among the groups gnomAD compares: Middle Eastern, 0.016%; no homozygotes.

Submissions (2):

Labcorp Genetics (formerly Invitae), Labcorp
Classification: Uncertain significance for Congenital myasthenic syndrome 10; Fetal akinesia deformation sequence 1. Last evaluated: 2025-01-31. Review status: criteria provided, single submitter. Criteria: Invitae Variant Classification Sherloc (09022015). Collection method: clinical testing. Allele origin: germline.
Comment: This sequence change replaces alanine, which is neutral and non-polar, with threonine, which is neutral and polar, at codon 277 of the DOK7 protein (p.Ala277Thr). This variant is present in population databases (rs759117081, gnomAD 0.02%). This variant has not been reported in the literature in individuals affected with DOK7-related conditions. ClinVar contains an entry for this variant (Variation ID: 534116). Invitae Evidence Modeling of protein sequence and biophysical properties (such as structural, functional, and spatial information, amino acid conservation, physicochemical variation, residue mobility, and thermodynamic stability) indicates that this missense variant is not expected to disrupt DOK7 protein function with a negative predictive value of 80%. In summary, the available evidence is currently insufficient to determine the role of this variant in disease. Therefore, it has been classified as a Variant of Uncertain Significance.

Baylor Genetics
Classification: Uncertain significance for Congenital myasthenic syndrome 10. Last evaluated: 2021-12-03. Review status: criteria provided, single submitter. Criteria: ACMG Guidelines, 2015. Collection method: clinical testing. Allele origin: unknown.

NM_173660.5(DOK7):c.829G>A (p.Ala277Thr)

Gene: DOK7 (docking protein 7; plus strand). Cytogenetic location: 4p16.3.
Variant type: single nucleotide variant.
Coding change: c.829G>A on transcript NM_173660.5 (MANE Select); coding-DNA position 829, G replaced by A.
Protein change: p.Ala277Thr; replaces alanine 277 with threonine.
Molecular consequence: missense variant. On other transcripts: 3 prime UTR variant (1), 5 prime UTR variant (1).
Genome position (GRCh38, 1-based): chr4:3,492,815, G>A. VCF-style: chr4-3492815-G-A. GRCh37 (hg19) VCF-style: chr4-3494542-G-A.
Other names: c.*50G>A (NM_001164673.2); c.-102G>A (NM_001256896.2); c.829G>A, p.Ala277Thr (NM_001301071.2); c.397G>A, p.Ala133Thr (NM_001363811.2); short protein forms A277T, A133T.
Identifiers: ClinVar variation 534116 (VCV000534116.6), dbSNP rs759117081, ClinGen allele CA2829242.